The following is an entry in ClinVar:

NM_000632.4(ITGAM):c.704+9_704+10delinsTG

Gene: ITGAM (integrin subunit alpha M; plus strand). Cytogenetic location: 16p11.2.
Variant type: Indel.
Coding change: c.704+9_704+10delinsTG on transcript NM_000632.4 (MANE Select); bases 9 to 10 of the intron after coding-DNA position 704, CC replaced by TG.
Molecular consequence: intron variant.
Genome position (GRCh38, 1-based): chr16:31,272,001-31,272,002, CC replaced by TG. VCF-style: chr16-31272001-CC-TG. GRCh37 (hg19) VCF-style: chr16-31283322-CC-TG.
Other names: c.704+9_704+10delinsTG (NM_001145808.2).
Identifiers: ClinVar variation 1923435 (VCV001923435.5), dbSNP rs2544382521, ClinGen allele CA2580091532.

ClinVar aggregate classification (germline): Uncertain significance (1 of 4 stars; one submission).

Submission:

Labcorp Genetics (formerly Invitae), Labcorp
Classification: Uncertain significance. Last evaluated: 2025-12-29. Review status: criteria provided, single submitter. Criteria: Invitae Variant Classification Sherloc (09022015). Collection method: clinical testing. Allele origin: germline.
Comment: This sequence change falls in intron 7 of the ITGAM gene. It does not directly change the encoded amino acid sequence of the ITGAM protein. Information on the frequency of this variant in the gnomAD database is not available, as this variant may be reported differently in the database. This variant has not been reported in the literature in individuals affected with ITGAM-related conditions. ClinVar contains an entry for this variant (Variation ID: 1923435). Experimental studies and prediction algorithms are not available or were not evaluated, and the effect of this variant on mRNA splicing is currently unknown. In summary, the available evidence is currently insufficient to determine the role of this variant in disease. Therefore, it has been classified as a Variant of Uncertain Significance.